The following is an entry in ClinVar:

NM_015122.3(FCHO1):c.868C>T (p.Arg290Cys)

Gene: FCHO1 (FCH and mu domain containing endocytic adaptor 1; plus strand). Cytogenetic location: 19p13.11.
Variant type: single nucleotide variant.
Coding change: c.868C>T on transcript NM_015122.3 (MANE Select); coding-DNA position 868, C replaced by T.
Protein change: p.Arg290Cys; replaces arginine 290 with cysteine.
Molecular consequence: missense variant. On other transcripts: non-coding transcript variant (36).
Genome position (GRCh38, 1-based): chr19:17,774,426, C>T. VCF-style: chr19-17774426-C-T. GRCh37 (hg19) VCF-style: chr19-17885235-C-T.
Other names: c.868C>T, p.Arg290Cys (NM_001384396.1, NM_001384397.1, NM_001384398.1 and 25 more transcripts); c.829C>T, p.Arg277Cys (NM_001384405.1, NM_001384388.1, NM_001384389.1); c.718C>T, p.Arg240Cys (NM_001384406.1, NM_001384407.1, NM_001161359.2 and 3 more transcripts); c.823C>T, p.Arg275Cys (NM_001384403.1); c.793C>T, p.Arg265Cys (NM_001384390.1); short protein forms R265C, R275C, R277C, R290C, R240C.
Identifiers: ClinVar variation 1375231 (VCV001375231.4), dbSNP rs148289484, ClinGen allele CA9300276.
Genomic context (GRCh38, chr19:17,774,426, plus strand): 5'-GCTCAGGTGCCCCCCAATCTATCCTCAGCGATGAAACGTTTGCGGGGAGCCAAGGCCTTT[C>T]GCCTTCCAGGACTAAGCCGGCGGGAGCGGGAGCCAGAGCCACCTGCAGCTGTGTGAGGAA-3'
Protein context (NP_055937.1, residues 280-300): MKRLRGAKAF[Arg290Cys]LPGLSRRERE

ClinVar aggregate classification (germline): Uncertain significance (1 of 4 stars; one submission).

Allele frequency attached by ClinVar (database versions not stated): ExAC 0.00002; gnomAD exomes 0.00002; gnomAD 0.00005 and 0.00006; TOPMed 0.00011; ESP Exome Variant Server 0.00023.
gnomAD v4.1: 36 of 1,613,844 alleles (0.0022%); highest among the groups gnomAD compares: African/African-American, 0.019%; no homozygotes.

Submission:

Labcorp Genetics (formerly Invitae), Labcorp
Classification: Uncertain significance. Last evaluated: 2023-09-12. Review status: criteria provided, single submitter. Criteria: Invitae Variant Classification Sherloc (09022015). Collection method: clinical testing. Allele origin: germline.
Comment: In summary, the available evidence is currently insufficient to determine the role of this variant in disease. Therefore, it has been classified as a Variant of Uncertain Significance. Algorithms developed to predict the effect of sequence changes on RNA splicing suggest that this variant may disrupt the consensus splice site. An algorithm developed to predict the effect of missense changes on protein structure and function (PolyPhen-2) suggests that this variant is likely to be disruptive. ClinVar contains an entry for this variant (Variation ID: 1375231). This variant has not been reported in the literature in individuals affected with FCHO1-related conditions. This variant is present in population databases (rs148289484, gnomAD 0.03%). This sequence change replaces arginine, which is basic and polar, with cysteine, which is neutral and slightly polar, at codon 290 of the FCHO1 protein (p.Arg290Cys).